The following is an entry in ClinVar:

NM_000222.3(KIT):c.2795C>G (p.Thr932Ser)

Gene: KIT (KIT proto-oncogene, receptor tyrosine kinase; plus strand). Cytogenetic location: 4q12.
Variant type: single nucleotide variant.
Coding change: c.2795C>G on transcript NM_000222.3 (MANE Select); coding-DNA position 2795, C replaced by G.
Protein change: p.Thr932Ser; replaces threonine 932 with serine.
Molecular consequence: missense variant.
Genome position (GRCh38, 1-based): chr4:54,737,273, C>G. VCF-style: chr4-54737273-C-G. GRCh37 (hg19) VCF-style: chr4-55603439-C-G.
Other names: c.2783C>G, p.Thr928Ser (NM_001093772.2, NM_001385292.1); c.2798C>G, p.Thr933Ser (NM_001385284.1); c.2792C>G, p.Thr931Ser (NM_001385285.1); c.2780C>G, p.Thr927Ser (NM_001385286.1); c.2786C>G, p.Thr929Ser (NM_001385288.1); c.2795C>G, p.Thr932Ser (NM_001385290.1); short protein forms T928S, T932S, T927S, T929S, T931S, T933S.
Identifiers: ClinVar variation 949800 (VCV000949800.10), dbSNP rs1553893597, ClinGen allele CA356914593.
Genomic context (GRCh38, chr4:54,737,273, plus strand): 5'-TAAAAAGACCAACATTCAAGCAAATTGTTCAGCTAATTGAGAAGCAGATTTCAGAGAGCA[C>G]CAATCATGTGAGTATACCCTGGCCAGGCATAGAATCCCCCTTCTCCCAGTTCCAGGTGTG-3'
Protein context (NP_000213.1, residues 922-942): QLIEKQISES[Thr932Ser]NHIYSNLANC

ClinVar aggregate classification (germline): Uncertain significance (1 of 4 stars; one submission).

Conditions:
Gastrointestinal stromal tumor. Also called: Gastrointestinal stromal tumor, somatic; Gastrointestinal stroma tumor. Identifiers: Orphanet 44890, MedGen C0238198, MeSH D046152, MONDO:0011719, OMIM 606764, HP:0100723.

Submission:

Labcorp Genetics (formerly Invitae), Labcorp
Classification: Uncertain significance for Gastrointestinal stromal tumor. Last evaluated: 2019-08-08. Review status: criteria provided, single submitter. Criteria: Invitae Variant Classification Sherloc (09022015). Collection method: clinical testing. Allele origin: germline.
Comment: This variant is not present in population databases (ExAC no frequency). In summary, the available evidence is currently insufficient to determine the role of this variant in disease. Therefore, it has been classified as a Variant of Uncertain Significance. Algorithms developed to predict the effect of missense changes on protein structure and function output the following: SIFT: "Tolerated"; PolyPhen-2: "Benign"; Align-GVGD: "Class C0". The serine amino acid residue is found in multiple mammalian species, suggesting that this missense change does not adversely affect protein function. These predictions have not been confirmed by published functional studies and their clinical significance is uncertain. This variant has not been reported in the literature in individuals with KIT-related conditions. This sequence change replaces threonine with serine at codon 932 of the KIT protein (p.Thr932Ser). The threonine residue is moderately conserved and there is a small physicochemical difference between threonine and serine.